The following is an entry in ClinVar:

NM_001112741.2(KCNC1):c.916G>A (p.Val306Met)

Gene: KCNC1 (potassium voltage-gated channel subfamily C member 1; plus strand). Cytogenetic location: 11p15.1.
Variant type: single nucleotide variant.
Coding change: c.916G>A on transcript NM_001112741.2 (MANE Select); coding-DNA position 916, G replaced by A.
Protein change: p.Val306Met; replaces valine 306 with methionine.
Molecular consequence: missense variant.
Genome position (GRCh38, 1-based): chr11:17,772,010, G>A. VCF-style: chr11-17772010-G-A. GRCh37 (hg19) VCF-style: chr11-17793557-G-A.
Other names: c.916G>A, p.Val306Met (NM_004976.4); short protein forms V306M.
Identifiers: ClinVar variation 1411195 (VCV001411195.6), dbSNP rs369830206, ClinGen allele CA5906749.

ClinVar aggregate classification (germline): Uncertain significance (1 of 4 stars; one submission).

Conditions:
Progressive myoclonic epilepsy type 7. Identifiers: Orphanet 435438, MedGen C4015420, MONDO:0014521, OMIM 616187.

Allele frequency attached by ClinVar (database versions not stated): gnomAD exomes below 0.00001.
gnomAD v4.1: 6 of 1,613,954 alleles (0.00037%); highest among the groups gnomAD compares: Non-Finnish European, 0.00051%; no homozygotes.

Submission:

Labcorp Genetics (formerly Invitae), Labcorp
Classification: Uncertain significance for Progressive myoclonic epilepsy type 7. Last evaluated: 2022-03-30. Review status: criteria provided, single submitter. Criteria: Invitae Variant Classification Sherloc (09022015). Collection method: clinical testing. Allele origin: germline.
Comment: This sequence change replaces valine, which is neutral and non-polar, with methionine, which is neutral and non-polar, at codon 306 of the KCNC1 protein (p.Val306Met). This variant is present in population databases (rs369830206, gnomAD 0.0009%). In summary, the available evidence is currently insufficient to determine the role of this variant in disease. Therefore, it has been classified as a Variant of Uncertain Significance. Advanced modeling of protein sequence and biophysical properties (such as structural, functional, and spatial information, amino acid conservation, physicochemical variation, residue mobility, and thermodynamic stability) performed at Invitae indicates that this missense variant is expected to disrupt KCNC1 protein function. This variant has not been reported in the literature in individuals affected with KCNC1-related conditions.